The following is an entry in ClinVar:

NM_001008537.3(NEXMIF):c.682G>T (p.Glu228Ter)

Gene: NEXMIF (neurite extension and migration factor; minus strand). Cytogenetic location: Xq13.3.
Variant type: single nucleotide variant.
Coding change: c.682G>T on transcript NM_001008537.3 (MANE Select); coding-DNA position 682, G replaced by T.
Protein change: p.Glu228Ter; replaces glutamic acid 228 with a stop codon.
Molecular consequence: nonsense.
Genome position (GRCh38, 1-based): chrX:74,743,875, C>A on the plus strand (G>T on the coding strand, the complement: NEXMIF is on the minus strand). VCF-style: chrX-74743875-C-A. GRCh37 (hg19) VCF-style: chrX-73963710-C-A.
Other names: short protein forms E228*.
Identifiers: ClinVar variation 620268 (VCV000620268.1), dbSNP rs1569335893, ClinGen allele CA413672780.

ClinVar aggregate classification (germline): Pathogenic (1 of 4 stars; one submission).

Submission:

GeneDx
Classification: Pathogenic. Last evaluated: 2018-07-17. Review status: criteria provided, single submitter. Criteria: GeneDx Variant Classification (06012015). Collection method: clinical testing. Allele origin: germline. Affected: yes.
Comment: The E228X variant in the KIAA2022 gene has not been reported previously as a pathogenic variant nor as a benign variant, to our knowledge. This variant is predicted to cause loss of normal protein function either through protein truncation or nonsense-mediated mRNA decay. The E228X variant is not observed in large population cohorts (Lek et al., 2016).